The following is an entry in ClinVar:

NM_000059.4(BRCA2):c.9305C>T (p.Ala3102Val)

Gene: BRCA2 (BRCA2 DNA repair associated; plus strand). Cytogenetic location: 13q13.1.
Variant type: single nucleotide variant.
Coding change: c.9305C>T on transcript NM_000059.4 (MANE Select); coding-DNA position 9305, C replaced by T.
Protein change: p.Ala3102Val; replaces alanine 3102 with valine.
Molecular consequence: missense variant.
Genome position (GRCh38, 1-based): chr13:32,394,737, C>T. VCF-style: chr13-32394737-C-T. GRCh37 (hg19) VCF-style: chr13-32968874-C-T.
Other names: short protein forms A3102V.
Identifiers: ClinVar variation 1332139 (VCV001332139.8), dbSNP rs2137652411, ClinGen allele CA387760901.

ClinVar aggregate classification (germline): Conflicting classifications of pathogenicity. Review status: criteria provided, conflicting classifications (1 of 4 stars). 3 submissions from 3 submitters: Uncertain significance (2); Likely benign (1). Last evaluated 2025-09-05.

Conditions:
Hereditary breast ovarian cancer syndrome. Also called: Hereditary breast and ovarian cancer syndrome; Hereditary breast and ovarian cancer; Hereditary breast and ovarian cancer syndrome (HBOC); Hereditary breast and/or ovarian cancer syndrome; Breast and ovarian cancer; BRCA1- and BRCA2-Associated Hereditary Breast and Ovarian Cancer. Identifiers: Orphanet 145, MedGen C0677776, MeSH D061325, MONDO:0003582. Disease mechanism: loss of function.
Hereditary cancer-predisposing syndrome. Also called: Tumor predisposition; Hereditary Cancer Syndrome; Neoplastic Syndromes, Hereditary; Hereditary neoplastic syndrome. Identifiers: Orphanet 140162, MedGen C0027672, MeSH D009386, MONDO:0015356.

Submissions (3):

Ambry Genetics
Classification: Likely benign for Hereditary cancer-predisposing syndrome. Last evaluated: 2025-09-05. Review status: criteria provided, single submitter. Criteria: Ambry Variant Classification Scheme 2023. Collection method: clinical testing. Allele origin: germline.

Labcorp Genetics (formerly Invitae), Labcorp
Classification: Uncertain significance for Hereditary breast ovarian cancer syndrome. Last evaluated: 2023-09-27. Review status: criteria provided, single submitter. Criteria: Invitae Variant Classification Sherloc (09022015). Collection method: clinical testing. Allele origin: germline.
Comment: In summary, the available evidence is currently insufficient to determine the role of this variant in disease. Therefore, it has been classified as a Variant of Uncertain Significance. Advanced modeling of protein sequence and biophysical properties (such as structural, functional, and spatial information, amino acid conservation, physicochemical variation, residue mobility, and thermodynamic stability) performed at Invitae indicates that this missense variant is not expected to disrupt BRCA2 protein function. ClinVar contains an entry for this variant (Variation ID: 1332139). This variant has not been reported in the literature in individuals affected with BRCA2-related conditions. This variant is not present in population databases (gnomAD no frequency). This sequence change replaces alanine, which is neutral and non-polar, with valine, which is neutral and non-polar, at codon 3102 of the BRCA2 protein (p.Ala3102Val).

Color Diagnostics, LLC DBA Color Health
Classification: Uncertain significance for Hereditary cancer-predisposing syndrome. Last evaluated: 2021-05-18. Review status: criteria provided, single submitter. Criteria: ACMG Guidelines, 2015. Collection method: clinical testing. Allele origin: germline.
Comment: This missense variant replaces alanine with valine at codon 3102 of the BRCA2 protein. Computational prediction suggests that this variant may not impact protein structure and function (internally defined REVEL score threshold <= 0.5, PMID: 27666373). To our knowledge, functional studies have not been reported for this variant. This variant has not been reported as a germline mutation in individuals affected with hereditary cancer in the literature. This variant has not been identified in the general population by the Genome Aggregation Database (gnomAD). The available evidence is insufficient to determine the role of this variant in disease conclusively. Therefore, this variant is classified as a Variant of Uncertain Significance.

Literature cited by the submitters: PubMed 39779848 (cited by Ambry Genetics); PubMed 39779857 (cited by Ambry Genetics).